The following is an entry in ClinVar:

ClinVar aggregate classification (germline): Benign/Likely benign. Review status: criteria provided, multiple submitters, no conflicts (2 of 4 stars). 3 submissions from 3 submitters: Benign (1); Likely benign (1). 1 of the submissions does not count toward it. Last evaluated 2025-10-27.

Conditions:
Dilated cardiomyopathy 1G (CMD1G). Identifiers: Orphanet 154, MedGen C1858763, MONDO:0011400, OMIM 604145.
Autosomal recessive limb-girdle muscular dystrophy type 2J (LGMDR10). Also called: Limb-girdle muscular dystrophy, type 2J; MUSCULAR DYSTROPHY, LIMB-GIRDLE, AUTOSOMAL RECESSIVE 10. Identifiers: Orphanet 140922, MedGen C1837342, MONDO:0012127, OMIM 608807.
TTN-related disorder. Also called: TTN-related disorders; TTN-related condition; TTN-related disease.
Cardiovascular phenotype. Identifiers: MedGen CN230736.

Allele frequency attached by ClinVar (database versions not stated): gnomAD exomes 0.00001; gnomAD 0.00002; TOPMed 0.00003.
gnomAD v4.1: 16 of 1,610,848 alleles (0.00099%); highest among the groups gnomAD compares: East Asian, 0.034%; no homozygotes.

Submissions (3):

Labcorp Genetics (formerly Invitae), Labcorp
Classification: Benign for Dilated cardiomyopathy 1G; Autosomal recessive limb-girdle muscular dystrophy type 2J. Last evaluated: 2025-10-27. Review status: criteria provided, single submitter. Criteria: Invitae Variant Classification Sherloc (09022015). Collection method: clinical testing. Allele origin: germline.

Ambry Genetics
Classification: Likely benign for Cardiovascular phenotype. Last evaluated: 2021-12-16. Review status: criteria provided, single submitter. Criteria: Ambry Variant Classification Scheme 2023. Collection method: clinical testing. Allele origin: germline.

PreventionGenetics, part of Exact Sciences
Classification: Likely benign for TTN-related condition. Last evaluated: 2022-03-15. Review status: no assertion criteria provided. Collection method: clinical testing. Allele origin: germline. Not counted in ClinVar's aggregate classification.
Comment: This variant is classified as likely benign based on ACMG/AMP sequence variant interpretation guidelines (Richards et al. 2015 PMID: 25741868, with internal and published modifications).

NM_001267550.2(TTN):c.65622T>C (p.Thr21874=)

Genes: TTN-AS1 (TTN antisense RNA 1; plus strand), TTN (titin; minus strand). Cytogenetic location: 2q31.2.
Variant type: single nucleotide variant.
Coding change: c.65622T>C on transcript NM_001267550.2 (MANE Select); coding-DNA position 65622, T replaced by C.
Protein change: p.Thr21874=; no amino-acid change (threonine 21874 retained).
Molecular consequence: synonymous variant. On other transcripts: non-coding transcript variant (1).
Genome position (GRCh38, 1-based): chr2:178,583,181, A>G on the plus strand (T>C on the coding strand, the complement: TTN is on the minus strand). VCF-style: chr2-178583181-A-G. GRCh37 (hg19) VCF-style: chr2-179447908-A-G.
Other names: c.60699T>C, p.Thr20233= (NM_001256850.1); c.38427T>C, p.Thr12809= (NM_003319.4); c.57918T>C, p.Thr19306= (NM_133378.4); c.38802T>C, p.Thr12934= (NM_133432.3); c.39003T>C, p.Thr13001= (NM_133437.4).
Identifiers: ClinVar variation 766248 (VCV000766248.13), dbSNP rs55766906, ClinGen allele CA1991667.